The following is an entry in ClinVar:

NM_144997.7(FLCN):c.1579C>G (p.Arg527Gly)

Gene: FLCN (folliculin; minus strand). Cytogenetic location: 17p11.2.
Variant type: single nucleotide variant.
Coding change: c.1579C>G on transcript NM_144997.7 (MANE Select); coding-DNA position 1579, C replaced by G.
Protein change: p.Arg527Gly; replaces arginine 527 with glycine.
Molecular consequence: missense variant.
Genome position (GRCh38, 1-based): chr17:17,213,816, G>C on the plus strand (C>G on the coding strand, the complement: FLCN is on the minus strand). VCF-style: chr17-17213816-G-C. GRCh37 (hg19) VCF-style: chr17-17117130-G-C.
Other names: c.1633C>G, p.Arg545Gly (NM_001353229.2); c.1579C>G, p.Arg527Gly (NM_001353230.2, NM_001353231.2); short protein forms R527G, R545G.
Identifiers: ClinVar variation 5021846 (VCV005021846.1).
Genomic context (GRCh38, chr17:17,213,816, plus strand): 5'-CATTGTCCTCCTCGGACGCACCCAGGATGCTCAGCAGCTTCTGTGTGTCCTCTTTGGGTC[G>C]ACTGTCCACCTTGGTGAACTTAAAAAGCACCTTCACTTTGCTGAAGAAAACCAAAACAAA-3'
Protein context (NP_659434.2, residues 517-537): VLFKFTKVDS[Arg527Gly]PKEDTQKLLS

ClinVar aggregate classification (germline): Uncertain significance (1 of 4 stars; one submission).

Conditions:
Hereditary cancer-predisposing syndrome. Also called: Neoplastic Syndromes, Hereditary; Tumor predisposition; Hereditary neoplastic syndrome; Hereditary Cancer Syndrome. Identifiers: Orphanet 140162, MedGen C0027672, MeSH D009386, MONDO:0015356.

Submission:

Ambry Genetics
Classification: Uncertain significance for Hereditary cancer-predisposing syndrome. Last evaluated: 2026-07-07. Review status: criteria provided, single submitter. Criteria: Ambry Variant Classification Scheme 2023. Collection method: clinical testing. Allele origin: germline.
Comment: The p.R527G variant (also known as c.1579C>G), located in coding exon 11 of the FLCN gene, results from a C to G substitution at nucleotide position 1579. The arginine at codon 527 is replaced by glycine, an amino acid with dissimilar properties. This amino acid position is conserved. In addition, the in silico prediction for this alteration is inconclusive. Based on the available evidence, the clinical significance of this variant remains unclear.